The following is an entry in ClinVar:

NM_001370959.1(POU6F2):c.1114-7C>T

Gene: POU6F2 (POU class 6 homeobox 2; plus strand). Cytogenetic location: 7p14.1.
Variant type: single nucleotide variant.
Coding change: c.1114-7C>T on transcript NM_001370959.1 (MANE Select); 7 bases into the intron before coding-DNA position 1114, C replaced by T.
Molecular consequence: intron variant.
Genome position (GRCh38, 1-based): chr7:39,433,070, C>T. VCF-style: chr7-39433070-C-T. GRCh37 (hg19) VCF-style: chr7-39472669-C-T.
Other names: c.1027-7C>T (NM_007252.4, NM_001166018.2).
Identifiers: ClinVar variation 3060258 (VCV003060258.2), dbSNP rs2302125, ClinGen allele CA4227728.

ClinVar aggregate classification (germline): Benign (0 of 4 stars; one submission).

Conditions:
POU6F2-related disorder. Also called: POU6F2-related condition.

Allele frequency attached by ClinVar (database versions not stated): gnomAD exomes 0.26258; ESP Exome Variant Server 0.28295; ExAC 0.28453; gnomAD 0.28881; TOPMed 0.29627; 1000 Genomes Project 30x 0.31230; 1000 Genomes Project 0.31430.
gnomAD v4.1: 428,011 of 1,612,578 alleles (27%); highest among the groups gnomAD compares: East Asian, 49%; 58,903 homozygotes.

Submission:

PreventionGenetics, part of Exact Sciences
Classification: Benign for POU6F2-related condition. Last evaluated: 2019-10-21. Review status: no assertion criteria provided. Collection method: clinical testing. Allele origin: germline.
Comment: This variant is classified as benign based on ACMG/AMP sequence variant interpretation guidelines (Richards et al. 2015 PMID: 25741868, with internal and published modifications).